The following is an entry in ClinVar:

ClinVar aggregate classification (germline): Likely pathogenic (1 of 4 stars; one submission).

Conditions:
Lynch syndrome. Identifiers: Orphanet 144, MedGen C4552100, MONDO:0005835. Disease mechanism: loss of function.

Submission:

Laboratory for Molecular Medicine, Mass General Brigham Personalized Medicine
Classification: Likely pathogenic for Lynch syndrome. Last evaluated: 2019-05-08. Review status: criteria provided, single submitter. Criteria: ACMG Guidelines, 2015. Collection method: clinical testing. Allele origin: germline.
Comment: The p.Ser22PhefsX8 variant in PMS2 has not been previously reported in individuals with Lynch syndrome and was absent from large population studies. This variant is predicted to cause a frameshift, which alters the protein’s amino acid sequence beginning at position 22 and leads to a premature termination codon 8 amino acids downstream. This alteration is then predicted to lead to a truncated or absent protein. Loss of function of the PMS2 gene is an established disease mechanism in autosomal dominant Lynch syndrome. In summary, although additional studies are required to fully establish its clinical significance, this variant meets criteria to be classified as likely pathogenic for autosomal dominant Lynch syndrome. ACMG/AMP Criteria applied: PVS1, PM2.

NM_000535.7(PMS2):c.63_75del (p.Ser22fs)

Gene: PMS2 (PMS1 homolog 2, mismatch repair system component; minus strand). Cytogenetic location: 7p22.1.
Variant type: Deletion.
Coding change: c.63_75del on transcript NM_000535.7 (MANE Select); coding-DNA positions 63 to 75, 13 bases deleted (GTCAGTCCATCAG).
Protein change: p.Ser22fs; shifts the reading frame from serine 22.
Molecular consequence: frameshift variant. On other transcripts: 5 prime UTR variant (38), non-coding transcript variant (1), intron variant (7).
Genome position (GRCh38, 1-based): chr7:6,005,980-6,005,992, CTGATGGACTGAC deleted on the plus strand (GTCAGTCCATCAG on the coding strand, the reverse complement: PMS2 is on the minus strand). VCF-style (leftmost placement, unchanged base first): chr7-6005979-TCTGATGGACTGAC-T. GRCh37 (hg19) VCF-style: chr7-6045610-TCTGATGGACTGAC-T.
Other names: c.63_75del, p.Ser22fs (NM_001322006.2, NM_001322014.2, NM_001406868.1 and 10 more transcripts); c.-153_-141del (NM_001322007.2, NM_001406876.1, NM_001406883.1 and 4 more transcripts); c.-343_-331del (NM_001322009.2, NM_001322013.2, NM_001322003.2 and 10 more transcripts); c.-822_-810del (NM_001322011.2, NM_001322012.2); c.-422_-410del (NM_001322015.2, NM_001406875.1, NM_001406877.1 and 2 more transcripts); c.249_261del, p.Ser84fs (NM_001406866.1); c.-343_-331delGTCAGTCCATCAG (NM_001018040.1); c.-369_-357del (NM_001406880.1); and 8 more; short protein forms S22fs, S84fs.
Identifiers: ClinVar variation 3075776 (VCV003075776.1), dbSNP rs2536589369, ClinGen allele CA2681679371.